The following is an entry in ClinVar:

NM_000038.6(APC):c.2000A>G (p.Gln667Arg)

Gene: APC (APC regulator of Wnt signaling pathway; plus strand). Cytogenetic location: 5q22.2.
Variant type: single nucleotide variant.
Coding change: c.2000A>G on transcript NM_000038.6 (MANE Select); coding-DNA position 2000, A replaced by G.
Protein change: p.Gln667Arg; replaces glutamine 667 with arginine.
Molecular consequence: missense variant.
Genome position (GRCh38, 1-based): chr5:112,837,594, A>G. VCF-style: chr5-112837594-A-G. GRCh37 (hg19) VCF-style: chr5-112173291-A-G.
Other names: c.2000A>G, p.Gln667Arg (NM_001127510.3, NM_001354895.2, NM_001407450.1); c.1946A>G, p.Gln649Arg (NM_001127511.3); c.2054A>G, p.Gln685Arg (NM_001354896.2, NM_001407447.1, NM_001407448.1 and 1 more transcripts); c.2030A>G, p.Gln677Arg (NM_001354897.2); c.1925A>G, p.Gln642Arg (NM_001354898.2); c.1916A>G, p.Gln639Arg (NM_001354899.2); c.1877A>G, p.Gln626Arg (NM_001354900.2); c.1823A>G, p.Gln608Arg (NM_001354901.2, NM_001407453.1); and 12 more; short protein forms Q283R, Q541R, Q576R, Q626R, Q384R, Q538R, Q639R, Q642R.
Identifiers: ClinVar variation 2001612 (VCV002001612.5), dbSNP rs2149858456, ClinGen allele CA16025687.

ClinVar aggregate classification (germline): Uncertain significance. Review status: criteria provided, multiple submitters, no conflicts (2 of 4 stars). 2 submissions from 2 submitters: Uncertain significance (2). Last evaluated 2026-01-29.

Conditions:
Familial adenomatous polyposis 1 (FAP1). Also called: FAMILIAL ADENOMATOUS POLYPOSIS 1, ATTENUATED; POLYPOSIS, ADENOMATOUS INTESTINAL. Identifiers: MedGen C2713442, MONDO:0021056, OMIM 175100. Disease mechanism: loss of function.
Hereditary cancer-predisposing syndrome. Also called: Neoplastic Syndromes, Hereditary; Tumor predisposition; Hereditary Cancer Syndrome; Hereditary neoplastic syndrome. Identifiers: Orphanet 140162, MedGen C0027672, MeSH D009386, MONDO:0015356.

Allele frequency attached by ClinVar (database versions not stated): gnomAD exomes below 0.00001.
gnomAD v4.1: 1 of 1,612,694 alleles (0.000062%); highest among the groups gnomAD compares: South Asian, 0.0011%; no homozygotes.

Submissions (2):

Ambry Genetics
Classification: Uncertain significance for Hereditary cancer-predisposing syndrome. Last evaluated: 2026-01-29. Review status: criteria provided, single submitter. Criteria: Ambry Variant Classification Scheme 2023. Collection method: clinical testing. Allele origin: germline.
Comment: The p.Q667R variant (also known as c.2000A>G), located in coding exon 15 of the APC gene, results from an A to G substitution at nucleotide position 2000. The glutamine at codon 667 is replaced by arginine, an amino acid with highly similar properties. This amino acid position is highly conserved in available vertebrate species. In addition, in silico predictors for this gene do not accurately predict pathogenicity. Missense variants in APC are not a common cause of disease (Spier I et al. Genet Med. 2024 Feb;26(2):100992). Based on the available evidence, the clinical significance of this variant remains unclear.

Labcorp Genetics (formerly Invitae), Labcorp
Classification: Uncertain significance for Familial adenomatous polyposis 1. Last evaluated: 2022-06-03. Review status: criteria provided, single submitter. Criteria: Invitae Variant Classification Sherloc (09022015). Collection method: clinical testing. Allele origin: germline.
Comment: In summary, the available evidence is currently insufficient to determine the role of this variant in disease. Therefore, it has been classified as a Variant of Uncertain Significance. Algorithms developed to predict the effect of missense changes on protein structure and function are either unavailable or do not agree on the potential impact of this missense change (SIFT: "Deleterious"; PolyPhen-2: "Benign"; Align-GVGD: "Class C0"). This variant has not been reported in the literature in individuals affected with APC-related conditions. This variant is not present in population databases (gnomAD no frequency). This sequence change replaces glutamine, which is neutral and polar, with arginine, which is basic and polar, at codon 667 of the APC protein (p.Gln667Arg).